The following is an entry in ClinVar:

ClinVar aggregate classification (germline): Likely benign. Review status: criteria provided, multiple submitters, no conflicts (2 of 4 stars). 4 submissions from 4 submitters: Likely benign (3). 1 of the submissions does not count toward it. Last evaluated 2026-01-21.

Conditions:
NEB-related disorder. Also called: NEB-Related Disorders; NEB-related condition.
Nemaline myopathy 2 (NEM2). Also called: Nemaline myopathy 2, autosomal recessive. Identifiers: MedGen C1850569, MONDO:0009725, OMIM 256030.

Allele frequency attached by ClinVar (database versions not stated): gnomAD 0.00008; gnomAD exomes 0.00015 and 0.00020; TOPMed 0.00015; ExAC 0.00020; ESP Exome Variant Server 0.00024.
gnomAD v4.1: 229 of 1,612,730 alleles (0.014%); highest among the groups gnomAD compares: Admixed American, 0.073%; no homozygotes.

Submissions (4):

Labcorp Genetics (formerly Invitae), Labcorp
Classification: Likely benign for Nemaline myopathy 2. Last evaluated: 2026-01-21. Review status: criteria provided, single submitter. Criteria: Invitae Variant Classification Sherloc (09022015). Collection method: clinical testing. Allele origin: germline.

GeneDx
Classification: Likely benign. Last evaluated: 2020-07-10. Review status: criteria provided, single submitter. Criteria: GeneDx Variant Classification Process June 2021. Collection method: clinical testing. Allele origin: germline. Affected: yes.

Genetic Services Laboratory, University of Chicago
Classification: Likely benign for AllHighlyPenetrant. Last evaluated: 2013-08-20. Review status: criteria provided, single submitter. Criteria: ACMG Guidelines, 2007. Collection method: clinical testing. Allele origin: germline. Inheritance: Autosomal recessive inheritance.

PreventionGenetics, part of Exact Sciences
Classification: Likely benign for NEB-related condition. Last evaluated: 2019-07-30. Review status: no assertion criteria provided. Collection method: clinical testing. Allele origin: germline. Not counted in ClinVar's aggregate classification.
Comment: This variant is classified as likely benign based on ACMG/AMP sequence variant interpretation guidelines (Richards et al. 2015 PMID: 25741868, with internal and published modifications).

NM_001164508.2(NEB):c.5724C>T (p.Ser1908=)

Gene: NEB (nebulin; minus strand). Cytogenetic location: 2q23.3.
Variant type: single nucleotide variant.
Coding change: c.5724C>T on transcript NM_001164508.2 (MANE Select); coding-DNA position 5724, C replaced by T.
Protein change: p.Ser1908=; no amino-acid change (serine 1908 retained).
Molecular consequence: synonymous variant.
Genome position (GRCh38, 1-based): chr2:151,663,587, G>A on the plus strand (C>T on the coding strand, the complement: NEB is on the minus strand). VCF-style: chr2-151663587-G-A. GRCh37 (hg19) VCF-style: chr2-152520101-G-A.
Other names: c.5724C>T, p.Ser1908= (NM_001164507.2, NM_001271208.2, NM_004543.5).
Identifiers: ClinVar variation 129749 (VCV000129749.20), dbSNP rs370965998, ClinGen allele CA154008.